The following is an entry in ClinVar:

ClinVar aggregate classification (germline): Likely pathogenic (1 of 4 stars; one submission).

Conditions:
Congenital hyperammonemia, type I. Also called: Carbamoyl phosphate synthetase I deficiency disease; CPS I DEFICIENCY; Carbamoyl phosphate synthetase 1 deficiency; Hyperammonemia due to carbamoyl phosphate synthetase 1 deficiency; CPS 1 deficiency; Carbamyl phosphate synthetase (CPS) deficiency. Identifiers: Orphanet 147, MedGen C4082171, MONDO:0009376, OMIM 237300.

gnomAD v4.1: 1 of 1,612,638 alleles (0.000062%); highest among the groups gnomAD compares: Non-Finnish European, 0.000085%; no homozygotes.

Submission:

Natera, Inc.
Classification: Likely pathogenic for Carbamoyl-phosphate synthase I deficiency. Last evaluated: 2024-08-23. Review status: criteria provided, single submitter. Criteria: Natera Variant Classification Schema (03/2026). Collection method: clinical testing. Allele origin: germline.
Comment: The c.2130C>G variant in CPS1 is a nonsense variant predicted to introduce a stop codon at amino acid 710. This variant is expected to result in nonsense mediated decay, truncation, or a dysfunctional protein product. This variant is rare in the general population with a frequency below the threshold expected for the associated phenotype(s). Given the available evidence, this variant is classified as Likely Pathogenic.

NM_001875.5(CPS1):c.2130C>G (p.Tyr710Ter)

Gene: CPS1 (carbamoyl-phosphate synthase 1; plus strand). Cytogenetic location: 2q34.
Variant type: single nucleotide variant.
Coding change: c.2130C>G on transcript NM_001875.5 (MANE Select); coding-DNA position 2130, C replaced by G.
Protein change: p.Tyr710Ter; replaces tyrosine 710 with a stop codon.
Molecular consequence: nonsense. On other transcripts: non-coding transcript variant (2).
Genome position (GRCh38, 1-based): chr2:210,606,879, C>G. VCF-style: chr2-210606879-C-G. GRCh37 (hg19) VCF-style: chr2-211471603-C-G.
Other names: c.2130C>G, p.Tyr710Ter (NM_001122633.3, NM_001369257.1); c.2163C>G, p.Tyr721Ter (NM_001369256.1); short protein forms Y710*, Y721*.
Identifiers: ClinVar variation 4814952 (VCV004814952.1).